The following is an entry in ClinVar:

ClinVar aggregate classification (germline): Conflicting classifications of pathogenicity. Review status: criteria provided, conflicting classifications (1 of 4 stars). 2 submissions from 2 submitters: Uncertain significance (1); Likely benign (1). Last evaluated 2023-12-12.

Conditions:
Inborn genetic diseases. Identifiers: MedGen C0950123, MeSH D030342.

Allele frequency attached by ClinVar (database versions not stated): gnomAD 0.00001; gnomAD exomes 0.00001; TOPMed 0.00001; 1000 Genomes Project 30x 0.00021; 1000 Genomes Project 0.00026.
gnomAD v4.1: 3 of 1,208,862 alleles (0.00025%); highest among the groups gnomAD compares: East Asian, 0.003%; no homozygotes.

Submissions (2):

Ambry Genetics
Classification: Likely benign for Inborn genetic diseases. Last evaluated: 2023-12-12. Review status: criteria provided, single submitter. Criteria: Ambry Variant Classification Scheme 2023. Collection method: clinical testing. Allele origin: germline.

GeneDx
Classification: Uncertain significance. Last evaluated: 2019-08-15. Review status: criteria provided, single submitter. Criteria: GeneDx Variant Classification Process June 2021. Collection method: clinical testing. Allele origin: germline. Affected: yes.
Comment: In silico analysis, which includes protein predictors and evolutionary conservation, supports that this variant does not alter protein structure/function; Has not been previously published as pathogenic or benign to our knowledge

NM_000132.4(F8):c.3163G>A (p.Asp1055Asn)

Gene: F8 (coagulation factor VIII; minus strand). Cytogenetic location: Xq28.
Variant type: single nucleotide variant.
Coding change: c.3163G>A on transcript NM_000132.4 (MANE Select); coding-DNA position 3163, G replaced by A.
Protein change: p.Asp1055Asn; replaces aspartic acid 1055 with asparagine.
Molecular consequence: missense variant.
Genome position (GRCh38, 1-based): chrX:154,930,627, C>T on the plus strand (G>A on the coding strand, the complement: F8 is on the minus strand). VCF-style: chrX-154930627-C-T. GRCh37 (hg19) VCF-style: chrX-154158902-C-T.
Other names: c.3163G>A (NM_000132.3); short protein forms D1055N.
Identifiers: ClinVar variation 1307717 (VCV001307717.3), dbSNP rs140027831, ClinGen allele CA10568243.